The following is an entry in ClinVar:

ClinVar aggregate classification (germline): Uncertain significance. Review status: criteria provided, multiple submitters, no conflicts (2 of 4 stars). 2 submissions from 2 submitters: Uncertain significance (2). Last evaluated 2024-10-03.

Conditions:
DMXL2-related disorder. Also called: DMXL2-related condition.

Allele frequency attached by ClinVar (database versions not stated): gnomAD exomes below 0.00001; ExAC 0.00001; gnomAD 0.00001; TOPMed 0.00001.
gnomAD v4.1: 2 of 1,614,082 alleles (0.00012%); highest among the groups gnomAD compares: Non-Finnish European, 0.00017%; no homozygotes.

Submissions (2):

Women's Health and Genetics/Laboratory Corporation of America, LabCorp
Classification: Uncertain significance. Last evaluated: 2024-10-03. Review status: criteria provided, single submitter. Criteria: LabCorp Variant Classification Summary - May 2015. Collection method: clinical testing. Allele origin: germline.
Comment: Variant summary: DMXL2 c.9019C>T (p.Arg3007Trp) results in a non-conservative amino acid change in the encoded protein sequence. Four of five in-silico tools predict a damaging effect of the variant on protein function. The variant allele was found at a frequency of 4e-06 in 251452 control chromosomes. The available data on variant occurrences in the general population are insufficient to allow any conclusion about variant significance. To our knowledge, no occurrence of c.9019C>T in individuals affected with DMXL2-Related Disorders and no experimental evidence demonstrating its impact on protein function have been reported. ClinVar contains an entry for this variant (Variation ID: 2629208). Based on the evidence outlined above, the variant was classified as uncertain significance.

PreventionGenetics, part of Exact Sciences
Classification: Uncertain significance for DMXL2-related condition. Last evaluated: 2023-01-12. Review status: criteria provided, single submitter. Criteria: ACMG Guidelines, 2015. Collection method: clinical testing. Allele origin: germline.
Comment: The DMXL2 c.9022C>T variant is predicted to result in the amino acid substitution p.Arg3008Trp. To our knowledge, this variant has not been reported in the literature. This variant is reported in 0.00088% of alleles in individuals of European (Non-Finnish) descent in gnomAD. At this time, the clinical significance of this variant is uncertain due to the absence of conclusive functional and genetic evidence.

NM_001378457.1(DMXL2):c.9085C>T (p.Arg3029Trp)

Gene: DMXL2 (Dmx like 2; minus strand). Cytogenetic location: 15q21.2.
Variant type: single nucleotide variant.
Coding change: c.9085C>T on transcript NM_001378457.1 (MANE Select); coding-DNA position 9085, C replaced by T.
Protein change: p.Arg3029Trp; replaces arginine 3029 with tryptophan.
Molecular consequence: missense variant. On other transcripts: non-coding transcript variant (2).
Genome position (GRCh38, 1-based): chr15:51,449,076, G>A on the plus strand (C>T on the coding strand, the complement: DMXL2 is on the minus strand). VCF-style: chr15-51449076-G-A. GRCh37 (hg19) VCF-style: chr15-51741273-G-A.
Other names: c.9022C>T, p.Arg3008Trp (NM_001174116.3); c.7111C>T, p.Arg2371Trp (NM_001174117.3); c.9082C>T, p.Arg3028Trp (NM_001378458.1); c.8797C>T, p.Arg2933Trp (NM_001378459.1); c.7000C>T, p.Arg2334Trp (NM_001378460.1); c.9019C>T, p.Arg3007Trp (NM_015263.5); short protein forms R2334W, R2371W, R2933W, R3007W, R3008W, R3028W, R3029W.
Identifiers: ClinVar variation 2629208 (VCV002629208.2), dbSNP rs750095034, ClinGen allele CA7560828.
Genomic context (GRCh38, chr15:51,449,076, plus strand): 5'-TAAAAGCATTGGGCAAAACCCTGGTTTTCAGCGTGCCATCTGCACCACAGGAGAAGAGCC[G>A]ATTGCCCTGGATGATGTCAATCTGCATGACTCCAGCCCCAATGTTTCGAAATATGGACTG-3'
Protein context (NP_001365386.1, residues 3019-3039): VMQIDIIQGN[Arg3029Trp]LFSCGADGTL